The following is an entry in ClinVar:

ClinVar aggregate classification (germline): Uncertain significance (1 of 4 stars; one submission).

Conditions:
Early-infantile DEE. Also called: Ohtahara syndrome; Early infantile epileptic encephalopathy with suppression bursts; Early infantile epileptic encephalopathy. Identifiers: Orphanet 1934, MedGen C0393706, MONDO:0800491.

Allele frequency attached by ClinVar (database versions not stated): TOPMed below 0.00001.
gnomAD v4.1: 4 of 1,605,276 alleles (0.00025%); highest among the groups gnomAD compares: Non-Finnish European, 0.00026%; no homozygotes.

Submission:

Labcorp Genetics (formerly Invitae), Labcorp
Classification: Uncertain significance for Early-infantile DEE. Last evaluated: 2021-06-15. Review status: criteria provided, single submitter. Criteria: Invitae Variant Classification Sherloc (09022015). Collection method: clinical testing. Allele origin: germline.
Comment: Algorithms developed to predict the effect of missense changes on protein structure and function are either unavailable or do not agree on the potential impact of this missense change (SIFT: "Deleterious"; PolyPhen-2: "Benign"; Align-GVGD: "Class C0"). In summary, the available evidence is currently insufficient to determine the role of this variant in disease. Therefore, it has been classified as a Variant of Uncertain Significance. This sequence change replaces glycine with cysteine at codon 472 of the SCN8A protein (p.Gly472Cys). The glycine residue is moderately conserved and there is a large physicochemical difference between glycine and cysteine. This variant is not present in population databases (ExAC no frequency). This variant has not been reported in the literature in individuals with SCN8A-related conditions.

NM_001330260.2(SCN8A):c.1414G>T (p.Gly472Cys)

Gene: SCN8A (sodium voltage-gated channel alpha subunit 8; plus strand). Cytogenetic location: 12q13.13.
Variant type: single nucleotide variant.
Coding change: c.1414G>T on transcript NM_001330260.2 (MANE Select); coding-DNA position 1414, G replaced by T.
Protein change: p.Gly472Cys; replaces glycine 472 with cysteine.
Molecular consequence: missense variant.
Genome position (GRCh38, 1-based): chr12:51,706,494, G>T. VCF-style: chr12-51706494-G-T. GRCh37 (hg19) VCF-style: chr12-52100278-G-T.
Other names: c.1414G>T, p.Gly472Cys (NM_001177984.3, NM_001369788.1, NM_014191.4); short protein forms G472C.
Identifiers: ClinVar variation 1467614 (VCV001467614.9), dbSNP rs1298177137, ClinGen allele CA385228752.